The following is an entry in ClinVar:

ClinVar aggregate classification (germline): Conflicting classifications of pathogenicity. Review status: criteria provided, conflicting classifications (1 of 4 stars). 2 submissions from 2 submitters: Uncertain significance (1); Likely benign (1). Last evaluated 2023-03-23.

Conditions:
Breast-ovarian cancer, familial, susceptibility to, 2 (BROVCA2). Also called: BRCA2 Hereditary Breast and Ovarian Cancer. Identifiers: Orphanet 145, MedGen C2675520, MONDO:0012933, OMIM 612555. Disease mechanism: loss of function.
Hereditary cancer-predisposing syndrome. Also called: Tumor predisposition; Hereditary neoplastic syndrome; Neoplastic Syndromes, Hereditary; Hereditary Cancer Syndrome. Identifiers: Orphanet 140162, MedGen C0027672, MeSH D009386, MONDO:0015356.

Submissions (2):

University of Washington Department of Laboratory Medicine, University of Washington
Classification: Likely benign for Hereditary cancer-predisposing syndrome. Last evaluated: 2023-03-23. Review status: criteria provided, single submitter. Criteria: Dines et al. (Genet Med. 2020). Collection method: curation. Allele origin: germline.
Comment: Missense variant in a coldspot region where missense variants are very unlikely to be pathogenic (PMID:31911673).

BRCA2 exon 11 coldspot. Reclassification based on statistical prior probability.

University of Science and Technology Houari Boumediene, Laboratory of Molecular and Cellular Biology (LBCM)
Classification: Uncertain significance for Breast-ovarian cancer, familial, susceptibility to, 2. Review status: criteria provided, single submitter. Criteria: ACMG Guidelines, 2015. Collection method: clinical testing. Allele origin: germline. Affected: yes. Observed: 1 heterozygote.

Literature cited by the submitters: PubMed 20683152 (cited by University of Science and Technology Houari Boumediene, Laboratory of Molecular and Cellular Biology (LBCM)).

NM_000059.4(BRCA2):c.5472T>G (p.Asn1824Lys)

Gene: BRCA2 (BRCA2 DNA repair associated; plus strand). Cytogenetic location: 13q13.1.
Variant type: single nucleotide variant.
Coding change: c.5472T>G on transcript NM_000059.4 (MANE Select); coding-DNA position 5472, T replaced by G.
Protein change: p.Asn1824Lys; replaces asparagine 1824 with lysine.
Molecular consequence: missense variant.
Genome position (GRCh38, 1-based): chr13:32,339,827, T>G. VCF-style: chr13-32339827-T-G. GRCh37 (hg19) VCF-style: chr13-32913964-T-G.
Other names: short protein forms N1824K.
Identifiers: ClinVar variation 1526282 (VCV001526282.5), dbSNP rs756797448, ClinGen allele CA6940877.